The following is an entry in ClinVar:

NM_015166.4(MLC1):c.50C>T (p.Thr17Met)

Gene: MLC1 (modulator of VRAC current 1; minus strand). Cytogenetic location: 22q13.33.
Variant type: single nucleotide variant.
Coding change: c.50C>T on transcript NM_015166.4 (MANE Select); coding-DNA position 50, C replaced by T.
Protein change: p.Thr17Met; replaces threonine 17 with methionine.
Molecular consequence: missense variant. On other transcripts: non-coding transcript variant (3), intron variant (1).
Genome position (GRCh38, 1-based): chr22:50,084,853, G>A on the plus strand (C>T on the coding strand, the complement: MLC1 is on the minus strand). VCF-style: chr22-50084853-G-A. GRCh37 (hg19) VCF-style: chr22-50523282-G-A.
Other names: c.50C>T, p.Thr17Met (NM_001376472.1, NM_001376473.1, NM_001376474.1 and 10 more transcripts); c.-59+502C>T (NM_001376484.1); c.50C>T (NM_015166.3); short protein forms T17M.
Identifiers: ClinVar variation 2203645 (VCV002203645.2), dbSNP rs759692106, ClinGen allele CA10303694.

ClinVar aggregate classification (germline): Uncertain significance. Review status: criteria provided, multiple submitters, no conflicts (2 of 4 stars). 2 submissions from 2 submitters: Uncertain significance (2). Last evaluated 2024-10-01.

Conditions:
Inborn genetic diseases. Identifiers: MedGen C0950123, MeSH D030342.

Allele frequency attached by ClinVar (database versions not stated): TOPMed 0.00001; gnomAD exomes 0.00003; ExAC 0.00004.
gnomAD v4.1: 45 of 1,613,504 alleles (0.0028%); highest among the groups gnomAD compares: Middle Eastern, 0.017%; no homozygotes.

Submissions (2):

Ambry Genetics
Classification: Uncertain significance for Inborn genetic diseases. Last evaluated: 2024-10-01. Review status: criteria provided, single submitter. Criteria: Ambry Variant Classification Scheme 2023. Collection method: clinical testing. Allele origin: germline.

Labcorp Genetics (formerly Invitae), Labcorp
Classification: Uncertain significance. Last evaluated: 2021-12-02. Review status: criteria provided, single submitter. Criteria: Invitae Variant Classification Sherloc (09022015). Collection method: clinical testing. Allele origin: germline.
Comment: This sequence change replaces threonine, which is neutral and polar, with methionine, which is neutral and non-polar, at codon 17 of the MLC1 protein (p.Thr17Met). This variant is present in population databases (rs759692106, gnomAD 0.01%). This variant has not been reported in the literature in individuals affected with MLC1-related conditions. Algorithms developed to predict the effect of missense changes on protein structure and function are either unavailable or do not agree on the potential impact of this missense change (SIFT: "Deleterious"; PolyPhen-2: "Probably Damaging"; Align-GVGD: "Class C15"). In summary, the available evidence is currently insufficient to determine the role of this variant in disease. Therefore, it has been classified as a Variant of Uncertain Significance.